The following is an entry in ClinVar:

ClinVar aggregate classification (germline): Uncertain significance. Review status: criteria provided, multiple submitters, no conflicts (2 of 4 stars). 2 submissions from 2 submitters: Uncertain significance (2). Last evaluated 2025-09-28.

Conditions:
Cardiovascular phenotype. Identifiers: MedGen CN230736.
Dilated cardiomyopathy 1DD (CMD1DD). Identifiers: Orphanet 154, MedGen C2750995, MONDO:0013168, OMIM 613172.

Submissions (2):

Ambry Genetics
Classification: Uncertain significance for Cardiovascular phenotype. Last evaluated: 2025-09-28. Review status: criteria provided, single submitter. Criteria: Ambry Variant Classification Scheme 2023. Collection method: clinical testing. Allele origin: germline.
Comment: The p.I62V variant (also known as c.184A>G), located in coding exon 1 of the RBM20 gene, results from an A to G substitution at nucleotide position 184. The isoleucine at codon 62 is replaced by valine, an amino acid with highly similar properties. This amino acid position is conserved. In addition, this alteration is predicted to be tolerated by in silico analysis. Based on the available evidence, the clinical significance of this variant remains unclear.

Labcorp Genetics (formerly Invitae), Labcorp
Classification: Uncertain significance for Dilated cardiomyopathy 1DD. Last evaluated: 2022-11-14. Review status: criteria provided, single submitter. Criteria: Invitae Variant Classification Sherloc (09022015). Collection method: clinical testing. Allele origin: germline.
Comment: This sequence change replaces isoleucine, which is neutral and non-polar, with valine, which is neutral and non-polar, at codon 62 of the RBM20 protein (p.Ile62Val). This variant is not present in population databases (gnomAD no frequency). This variant has not been reported in the literature in individuals affected with RBM20-related conditions. Advanced modeling of protein sequence and biophysical properties (such as structural, functional, and spatial information, amino acid conservation, physicochemical variation, residue mobility, and thermodynamic stability) performed at Invitae indicates that this missense variant is not expected to disrupt RBM20 protein function. In summary, the available evidence is currently insufficient to determine the role of this variant in disease. Therefore, it has been classified as a Variant of Uncertain Significance.

NM_001134363.3(RBM20):c.184A>G (p.Ile62Val)

Gene: RBM20 (RNA binding motif protein 20; plus strand). Cytogenetic location: 10q25.2.
Variant type: single nucleotide variant.
Coding change: c.184A>G on transcript NM_001134363.3 (MANE Select); coding-DNA position 184, A replaced by G.
Protein change: p.Ile62Val; replaces isoleucine 62 with valine.
Molecular consequence: missense variant.
Genome position (GRCh38, 1-based): chr10:110,644,638, A>G. VCF-style: chr10-110644638-A-G. GRCh37 (hg19) VCF-style: chr10-112404396-A-G.
Other names: short protein forms I62V.
Identifiers: ClinVar variation 2894067 (VCV002894067.4), dbSNP rs2493192890, ClinGen allele CA378527971.